The following is an entry in ClinVar:

ClinVar aggregate classification (germline): Likely benign. Review status: criteria provided, single submitter (1 of 4 stars). 2 submissions from 2 submitters: Likely benign (1). 1 of the submissions does not count toward it. Last evaluated 2023-12-21.

Conditions:
Angelman syndrome (AS). Also called: HAPPY PUPPET SYNDROME. Identifiers: Orphanet 72, MedGen C0162635, MONDO:0007113, OMIM 105830. Disease mechanism: loss of function. Inheritance: AS is caused by disruption of maternally imprinted UBE3A located within the 15q11.2-q13 Angelman syndrome/Prader-Willi syndrome (AS/PWS) region., imprinting disorder.

Submissions (2):

Labcorp Genetics (formerly Invitae), Labcorp
Classification: Likely benign for Angelman syndrome. Last evaluated: 2023-12-21. Review status: criteria provided, single submitter. Criteria: Invitae Variant Classification Sherloc (09022015). Collection method: clinical testing. Allele origin: germline.

Baylor Genetics
Classification: Uncertain significance for Angelman syndrome. Last evaluated: 2014-02-14. Review status: no assertion criteria provided. Collection method: clinical testing. Allele origin: paternal. Affected: yes. Observed: 1 variant allele. Study: UBE3A Mutation Study. Not counted in ClinVar's aggregate classification.
Comment: possible diagnosis of Angelman syndrome

Data collected from clinical UBE3A sequence analysis results

Literature cited by the submitters: PubMed 25212744 (cited by Baylor Genetics).

NM_130839.5(UBE3A):c.2124+19T>G

Genes: SNHG14 (small nucleolar RNA host gene 14; plus strand), UBE3A (ubiquitin protein ligase E3A; minus strand). Cytogenetic location: 15q11.2.
Variant type: single nucleotide variant.
Coding change: c.2124+19T>G on transcript NM_130839.5 (MANE Select); 19 bases into the intron after coding-DNA position 2124, T replaced by G.
Molecular consequence: intron variant.
Genome position (GRCh38, 1-based): chr15:25,355,873, A>C on the plus strand (T>G on the coding strand, the complement: UBE3A is on the minus strand). VCF-style: chr15-25355873-A-C. GRCh37 (hg19) VCF-style: chr15-25601020-A-C.
Other names: c.1947+19T>G (NM_001354546.2); c.813+19T>G (NM_001354551.2); c.1899+818T>G (NM_001354549.2); c.2064+19T>G (NM_001354548.2, NM_130838.4, NM_001354542.2 and 16 more transcripts); c.873+19T>G (NM_001354550.2); c.2124+19T>G (NM_001354545.2, NM_001354538.2, NM_001354505.1); c.2133+19T>G (NM_000462.5).
Identifiers: ClinVar variation 156145 (VCV000156145.5), dbSNP rs587782925, ClinGen allele CA333452.